The following is an entry in ClinVar:

NM_019594.4(LRRC8A):c.652C>T (p.Arg218Trp)

Gene: LRRC8A (leucine rich repeat containing 8 VRAC subunit A; plus strand). Cytogenetic location: 9q34.11.
Variant type: single nucleotide variant.
Coding change: c.652C>T on transcript NM_019594.4 (MANE Select); coding-DNA position 652, C replaced by T.
Protein change: p.Arg218Trp; replaces arginine 218 with tryptophan.
Molecular consequence: missense variant.
Genome position (GRCh38, 1-based): chr9:128,907,816, C>T. VCF-style: chr9-128907816-C-T. GRCh37 (hg19) VCF-style: chr9-131670095-C-T.
Other names: c.652C>T (NM_001127244.1); c.652C>T, p.Arg218Trp (NM_001127244.2, NM_001127245.2); short protein forms R218W.
Identifiers: ClinVar variation 1394041 (VCV001394041.11), dbSNP rs746854036, ClinGen allele CA5270750.

ClinVar aggregate classification (germline): Uncertain significance. Review status: criteria provided, multiple submitters, no conflicts (2 of 4 stars). 2 submissions from 2 submitters: Uncertain significance (2). Last evaluated 2026-01-12.

Allele frequency attached by ClinVar (database versions not stated): gnomAD 0.00001; gnomAD exomes 0.00001 and 0.00002; ExAC 0.00002; TOPMed 0.00002.

Submissions (2):

Labcorp Genetics (formerly Invitae), Labcorp
Classification: Uncertain significance. Last evaluated: 2026-01-12. Review status: criteria provided, single submitter. Criteria: Invitae Variant Classification Sherloc (09022015). Collection method: clinical testing. Allele origin: germline.
Comment: This sequence change replaces arginine, which is basic and polar, with tryptophan, which is neutral and slightly polar, at codon 218 of the LRRC8A protein (p.Arg218Trp). This variant is present in population databases (rs746854036, gnomAD 0.03%). This variant has not been reported in the literature in individuals affected with LRRC8A-related conditions. ClinVar contains an entry for this variant (Variation ID: 1394041). An algorithm developed to predict the effect of missense changes on protein structure and function (PolyPhen-2) suggests that this variant is likely to be tolerated. In summary, the available evidence is currently insufficient to determine the role of this variant in disease. Therefore, it has been classified as a Variant of Uncertain Significance.

Ambry Genetics
Classification: Uncertain significance. Last evaluated: 2023-09-12. Review status: criteria provided, single submitter. Criteria: Ambry Variant Classification Scheme 2023. Collection method: clinical testing. Allele origin: germline.